The following is an entry in ClinVar:

NM_201384.3(PLEC):c.5945G>A (p.Arg1982Gln)

Gene: PLEC (plectin; minus strand). Cytogenetic location: 8q24.3.
Variant type: single nucleotide variant.
Coding change: c.5945G>A on transcript NM_201384.3 (MANE Select); coding-DNA position 5945, G replaced by A.
Protein change: p.Arg1982Gln; replaces arginine 1982 with glutamine.
Molecular consequence: missense variant.
Genome position (GRCh38, 1-based): chr8:143,923,984, C>T on the plus strand (G>A on the coding strand, the complement: PLEC is on the minus strand). VCF-style: chr8-143923984-C-T. GRCh37 (hg19) VCF-style: chr8-144998152-C-T.
Other names: c.6026G>A (NM_000445.3); c.6026G>A, p.Arg2009Gln (NM_000445.5); c.5903G>A, p.Arg1968Gln (NM_201378.4); c.5879G>A, p.Arg1960Gln (NM_201379.3); c.6356G>A, p.Arg2119Gln (NM_201380.4); c.5849G>A, p.Arg1950Gln (NM_201381.3); c.5945G>A, p.Arg1982Gln (NM_201382.4); c.5957G>A, p.Arg1986Gln (NM_201383.3); short protein forms R1968Q, R1950Q, R1960Q, R2119Q, R1982Q, R1986Q, R2009Q.
Identifiers: ClinVar variation 655935 (VCV000655935.9), dbSNP rs370788105, ClinGen allele CA4926174.
Genomic context (GRCh38, chr8:143,923,984, plus strand): 5'-CGTGCGGCCTCCTCCTCGGCCGCCAGGCTCTTCTGCACGCGCTCCTCAGCCTCACGGCGC[C>T]GCCGCTCCTCCTCCGCCGCCAGCTGCCGCTGCCTCGCAGCCTCCAGCTCGGCCTGCTCCT-3'
Protein context (NP_958786.1, residues 1972-1992): QRQLAAEEER[Arg1982Gln]RREAEERVQK

ClinVar aggregate classification (germline): Uncertain significance. Review status: criteria provided, multiple submitters, no conflicts (2 of 4 stars). 3 submissions from 3 submitters: Uncertain significance (3). Last evaluated 2025-12-01.

Conditions:
Epidermolysis bullosa simplex 5C, with pyloric atresia (EBS5C). Also called: Epidermolysis bullosa simplex with pyloric atresia; PLEC-Related Epidermolysis Bullosa with Pyloric Atresia; PLEC1-Related Epidermolysis Bullosa with Pyloric Atresia. Identifiers: Orphanet 158684, MedGen C2677349, MONDO:0012807, OMIM 612138.
Epidermolysis bullosa simplex 5B, with muscular dystrophy (EBS5B). Also called: Epidermolysis bullosa simplex with muscular dystrophy; EPIDERMOLYSIS BULLOSA SIMPLEX AND LIMB-GIRDLE MUSCULAR DYSTROPHY. Identifiers: Orphanet 257, MedGen C2931072, MONDO:0009181, OMIM 226670.
Epidermolysis bullosa simplex, Ogna type (EBS5A). Also called: Pidermolysis bullosa simplex 5A, Ogna type; EPIDERMOLYSIS BULLOSA SIMPLEX 5A, OGNA TYPE. Identifiers: Orphanet 79401, MedGen C0432317, MONDO:0007555, OMIM 131950.
Epidermolysis bullosa simplex with nail dystrophy (EBS5D). Identifiers: MedGen C4225309, MONDO:0014661, OMIM 616487.
Autosomal recessive limb-girdle muscular dystrophy type 2Q (LGMDR17). Also called: MUSCULAR DYSTROPHY, LIMB-GIRDLE, AUTOSOMAL RECESSIVE 17. Identifiers: Orphanet 254361, MedGen C3150989, MONDO:0013390, OMIM 613723.

Allele frequency attached by ClinVar (database versions not stated): TOPMed 0.00003; ExAC 0.00006; gnomAD 0.00006; gnomAD exomes 0.00006; ESP Exome Variant Server 0.00009.
gnomAD v4.1: 74 of 1,584,990 alleles (0.0047%); highest among the groups gnomAD compares: Middle Eastern, 0.034%; 1 homozygote.

Submissions (3):

Labcorp Genetics (formerly Invitae), Labcorp
Classification: Uncertain significance for Autosomal recessive limb-girdle muscular dystrophy type 2Q; Epidermolysis bullosa simplex, Ogna type; Epidermolysis bullosa simplex with nail dystrophy; Epidermolysis bullosa simplex 5C, with pyloric atresia; Epidermolysis bullosa simplex 5B, with muscular dystrophy. Last evaluated: 2025-12-01. Review status: criteria provided, single submitter. Criteria: Invitae Variant Classification Sherloc (09022015). Collection method: clinical testing. Allele origin: germline.
Comment: This sequence change replaces arginine, which is basic and polar, with glutamine, which is neutral and polar, at codon 2009 of the PLEC protein (p.Arg2009Gln). This variant is present in population databases (rs370788105, gnomAD 0.01%). This variant has not been reported in the literature in individuals affected with PLEC-related conditions. ClinVar contains an entry for this variant (Variation ID: 655935). Experimental studies and prediction algorithms are not available or were not evaluated, and the functional significance of this variant is currently unknown. In summary, the available evidence is currently insufficient to determine the role of this variant in disease. Therefore, it has been classified as a Variant of Uncertain Significance.

Revvity Omics, Revvity
Classification: Uncertain significance. Last evaluated: 2019-05-03. Review status: criteria provided, single submitter. Criteria: ACMG Guidelines, 2015. Collection method: clinical testing. Allele origin: germline.

Breakthrough Genomics
Classification: Uncertain significance. Review status: criteria provided, single submitter. Criteria: ACMG Guidelines, 2015. Collection method: not provided. Allele origin: germline. Inheritance: Autosomal recessive inheritance. Affected: yes.